The following is an entry in ClinVar:

ClinVar aggregate classification (germline): Conflicting classifications of pathogenicity. Review status: criteria provided, conflicting classifications (1 of 4 stars). 14 submissions from 14 submitters: Uncertain significance (3); Benign (1); Likely benign (8). 2 of the submissions do not count toward it. Last evaluated 2026-03-06.

Conditions:
MSH6-related disorder. Also called: MSH6-Related disorders; MSH6-related condition.
Mismatch repair cancer syndrome 3. Identifiers: MedGen C5436807, MONDO:0030841, OMIM 619097.
Hereditary nonpolyposis colorectal neoplasms. Identifiers: MedGen C0009405, MeSH D003123.
Hereditary cancer-predisposing syndrome. Also called: Tumor predisposition; Neoplastic Syndromes, Hereditary; Hereditary neoplastic syndrome; Hereditary Cancer Syndrome. Identifiers: Orphanet 140162, MedGen C0027672, MeSH D009386, MONDO:0015356.
Lynch syndrome. Identifiers: Orphanet 144, MedGen C4552100, MONDO:0005835. Disease mechanism: loss of function.
Lynch syndrome 5 (LYNCH5). Also called: Colorectal cancer, hereditary nonpolyposis, type 5; Hereditary non-polyposis colorectal cancer, type 5. Identifiers: Orphanet 144, MedGen C1833477, MONDO:0013710, OMIM 614350. Disease mechanism: loss of function.

Allele frequency attached by ClinVar (database versions not stated): TOPMed 0.00004.
gnomAD v4.1: 19 of 1,614,170 alleles (0.0012%); highest among the groups gnomAD compares: Admixed American, 0.028%; no homozygotes.

Submissions (14):

PreventionGenetics, part of Exact Sciences
Classification: Likely benign for MSH6-related condition. Last evaluated: 2026-03-06. Review status: criteria provided, single submitter. Criteria: ACMG Guidelines, 2015. Collection method: clinical testing. Allele origin: germline.
Comment: This variant is classified as likely benign based on ACMG/AMP sequence variant interpretation guidelines (Richards et al. 2015 PMID: 25741868, with internal and published modifications).

Labcorp Genetics (formerly Invitae), Labcorp
Classification: Benign for Hereditary nonpolyposis colorectal neoplasms. Last evaluated: 2026-01-27. Review status: criteria provided, single submitter. Criteria: Invitae Variant Classification Sherloc (09022015). Collection method: clinical testing. Allele origin: germline.

Quest Diagnostics Nichols Institute San Juan Capistrano
Classification: Likely benign. Last evaluated: 2025-02-20. Review status: criteria provided, single submitter. Criteria: Quest Diagnostics criteria. Collection method: clinical testing. Allele origin: unknown.

Myriad Genetics, Inc.
Classification: Likely benign for Lynch syndrome 5. Last evaluated: 2024-12-20. Review status: criteria provided, single submitter. Criteria: Myriad Autosomal Dominant, Autosomal Recessive and X-Linked Classification Criteria (2023). Collection method: clinical testing. Allele origin: unknown.
Comment: This variant is considered likely benign. This variant is strongly associated with less severe personal and family histories of cancer, typical for individuals without pathogenic variants in this gene [PMID: 27363726].

ARUP Laboratories, Molecular Genetics and Genomics, ARUP Laboratories
Classification: Likely benign. Last evaluated: 2024-11-23. Review status: criteria provided, single submitter. Criteria: ARUP Molecular Germline Variant Investigation Process 2024. Collection method: clinical testing. Allele origin: germline.

Department of Pathology and Laboratory Medicine, Sinai Health System
Classification: Uncertain significance for Mismatch repair cancer syndrome 3. Last evaluated: 2023-06-01. Review status: criteria provided, single submitter. Criteria: ACMG Guidelines, 2015. Collection method: clinical testing. Allele origin: germline. Affected: yes.

Color Diagnostics, LLC DBA Color Health
Classification: Likely benign for Hereditary cancer-predisposing syndrome. Last evaluated: 2023-03-06. Review status: criteria provided, single submitter. Criteria: ACMG Guidelines, 2015. Collection method: clinical testing. Allele origin: germline.

Women's Health and Genetics/Laboratory Corporation of America, LabCorp
Classification: Likely benign. Last evaluated: 2022-12-19. Review status: criteria provided, single submitter. Criteria: LabCorp Variant Classification Summary - May 2015. Collection method: clinical testing. Allele origin: germline.
Comment: Variant summary: MSH6 c.905G>C (p.Arg302Thr) results in a non-conservative amino acid change in the encoded protein sequence. Three of five in-silico tools predict a benign effect of the variant on protein function. The variant allele was found at a frequency of 5.2e-05 in 251320 control chromosomes, predominantly at a frequency of 0.00038 within the Latino subpopulation in the gnomAD database. The observed variant frequency within Latino control individuals in the gnomAD database is approximately 3 fold of the estimated maximal expected allele frequency for a pathogenic variant in MSH6 causing Hereditary Nonpolyposis Colorectal Cancer phenotype (0.00014), strongly suggesting that the variant is a benign polymorphism found primarily in populations of Latino origin. To our knowledge, no occurrence of c.905G>C in individuals affected with Hereditary Nonpolyposis Colorectal Cancer and no experimental evidence demonstrating its impact on protein function have been reported. Ten clinical diagnostic laboratories have submitted clinical-significance assessments for this variant to ClinVar after 2014 and classified the variant as VUS (n=9) and likely benign (n=1). Based on the evidence outlined above, the variant was classified as likely benign.

Ambry Genetics
Classification: Likely benign for Hereditary cancer-predisposing syndrome. Last evaluated: 2022-12-09. Review status: criteria provided, single submitter. Criteria: Ambry Variant Classification Scheme 2023. Collection method: clinical testing. Allele origin: germline.

St. Jude Molecular Pathology, St. Jude Children's Research Hospital
Classification: Uncertain significance for Lynch syndrome. Last evaluated: 2020-10-22. Review status: criteria provided, single submitter. Criteria: St. Jude Assertion Criteria 2020. Collection method: clinical testing. Allele origin: germline.
Comment: The MSH6 c.905G>C (p.Arg302Thr) missense change has a maximum subpopulation frequency of 0.038% in gnomAD v2.1.1. Six of seven in silico tools predict a benign effect of this variant on protein function (BP4), but these predictions have not been confirmed by functional studies. To our knowledge, this variant has not been reported in individuals with Lynch syndrome or CMMRD. In summary, this variant meets criteria to be classified as of uncertain significance based on the ACMG/AMP criteria: BP4.

Mendelics
Classification: Uncertain significance for Lynch syndrome 5. Last evaluated: 2019-05-28. Review status: criteria provided, single submitter. Criteria: Mendelics Assertion Criteria 2017. Collection method: clinical testing. Allele origin: unknown.

GeneDx
Classification: Likely benign. Last evaluated: 2019-02-08. Review status: criteria provided, single submitter. Criteria: GeneDx Variant Classification Process June 2021. Collection method: clinical testing. Allele origin: germline. Affected: yes.
Comment: This variant is associated with the following publications: (PMID: 23621914)

Counsyl
Classification: Uncertain significance for Lynch syndrome 5. Last evaluated: 2018-01-15. Review status: no assertion criteria provided. Collection method: clinical testing. Allele origin: unknown. Not counted in ClinVar's aggregate classification.

True Health Diagnostics
Classification: Uncertain significance for Hereditary cancer-predisposing syndrome. Last evaluated: 2017-09-13. Review status: no assertion criteria provided. Collection method: clinical testing. Allele origin: germline. Not counted in ClinVar's aggregate classification.

Literature cited by the submitters: PubMed 33471991 (cited by Quest Diagnostics Nichols Institute San Juan Capistrano); PubMed 34326862 (cited by Quest Diagnostics Nichols Institute San Juan Capistrano); PubMed 35534704 (cited by Quest Diagnostics Nichols Institute San Juan Capistrano); PubMed 38874686 (cited by Quest Diagnostics Nichols Institute San Juan Capistrano); PubMed 27363726 (cited by Myriad Genetics, Inc.); PubMed 23621914 (cited by Ambry Genetics).

NM_000179.3(MSH6):c.905G>C (p.Arg302Thr)

Gene: MSH6 (mutS homolog 6; plus strand). Cytogenetic location: 2p16.3.
Variant type: single nucleotide variant.
Coding change: c.905G>C on transcript NM_000179.3 (MANE Select); coding-DNA position 905, G replaced by C.
Protein change: p.Arg302Thr; replaces arginine 302 with threonine.
Molecular consequence: missense variant. On other transcripts: 5 prime UTR variant (9), non-coding transcript variant (4), intron variant (1).
Genome position (GRCh38, 1-based): chr2:47,798,888, G>C. VCF-style: chr2-47798888-G-C. GRCh37 (hg19) VCF-style: chr2-48026027-G-C.
Other names: c.608G>C, p.Arg203Thr (NM_001406824.1, NM_001406825.1, NM_001406827.1 and 10 more transcripts); c.737G>C, p.Arg246Thr (NM_001406826.1); c.-2G>C (NM_001406829.1, NM_001406811.1, NM_001406812.1 and 6 more transcripts); c.628-1778G>C (NM_001407362.1); c.905G>C, p.Arg302Thr (NM_001406803.1, NM_001406808.1, NM_001406809.1 and 4 more transcripts); c.827G>C, p.Arg276Thr (NM_001406804.1); c.380G>C, p.Arg127Thr (NM_001406806.1, NM_001406807.1, NM_001406799.1); c.911G>C, p.Arg304Thr (NM_001406813.1); and 2 more; short protein forms R302T, R172T, R127T, R203T, R246T, R276T, R304T, R334T.
Identifiers: ClinVar variation 141122 (VCV000141122.39), dbSNP rs587781510, ClinGen allele CA016638.
Genomic context (GRCh38, chr2:47,798,888, plus strand): 5'-TGGGGGATAGTGAGAGTGAAGGCCTGAACAGCCCTGTCAAAGTTGCTCGAAAGCGGAAGA[G>C]AATGGTGACTGGAAATGGCTCTCTTAAAAGGAAAAGCTCTAGGAAGGAAACGCCCTCAGC-3'
Protein context (NP_000170.1, residues 292-312): SPVKVARKRK[Arg302Thr]MVTGNGSLKR